The following is an entry in ClinVar:

NM_005235.3(ERBB4):c.69C>G (p.Ser23Arg)

Gene: ERBB4 (erb-b2 receptor tyrosine kinase 4; minus strand). Cytogenetic location: 2q34.
Variant type: single nucleotide variant.
Coding change: c.69C>G on transcript NM_005235.3 (MANE Select); coding-DNA position 69, C replaced by G.
Protein change: p.Ser23Arg; replaces serine 23 with arginine.
Molecular consequence: missense variant.
Genome position (GRCh38, 1-based): chr2:212,538,462, G>C on the plus strand (C>G on the coding strand, the complement: ERBB4 is on the minus strand). VCF-style: chr2-212538462-G-C. GRCh37 (hg19) VCF-style: chr2-213403186-G-C.
Other names: c.69C>G, p.Ser23Arg (NM_001042599.2); short protein forms S23R.
Identifiers: ClinVar variation 3694079 (VCV003694079.2).

ClinVar aggregate classification (germline): Uncertain significance (1 of 4 stars; one submission).

Submission:

Labcorp Genetics (formerly Invitae), Labcorp
Classification: Uncertain significance. Last evaluated: 2025-01-26. Review status: criteria provided, single submitter. Criteria: Invitae Variant Classification Sherloc (09022015). Collection method: clinical testing. Allele origin: germline.
Comment: This sequence change replaces serine, which is neutral and polar, with arginine, which is basic and polar, at codon 23 of the ERBB4 protein (p.Ser23Arg). This variant is not present in population databases (gnomAD no frequency). This variant has not been reported in the literature in individuals affected with ERBB4-related conditions. An algorithm developed to predict the effect of missense changes on protein structure and function (PolyPhen-2) suggests that this variant is likely to be tolerated. In summary, the available evidence is currently insufficient to determine the role of this variant in disease. Therefore, it has been classified as a Variant of Uncertain Significance.